The following is an entry in ClinVar:

ClinVar aggregate classification (germline): Likely benign. Review status: criteria provided, multiple submitters, no conflicts (2 of 4 stars). 2 submissions from 2 submitters: Likely benign (2). Last evaluated 2025-03-01.

Conditions:
Transcobalamin II deficiency (TCN2D). Also called: Transcolabamin II deficiency; TC II DEFICIENCY; TCN2 DEFICIENCY. Identifiers: Orphanet 859, MedGen C0342701, MONDO:0010149, OMIM 275350.

Allele frequency attached by ClinVar (database versions not stated): ExAC 0.00001; gnomAD 0.00002; gnomAD exomes 0.00002.
gnomAD v4.1: 23 of 1,613,986 alleles (0.0014%); highest among the groups gnomAD compares: African/African-American, 0.004%; no homozygotes.

Submissions (2):

CeGaT Center for Human Genetics Tuebingen
Classification: Likely benign. Last evaluated: 2025-03-01. Review status: criteria provided, single submitter. Criteria: CeGaT Center For Human Genetics Tuebingen Variant Classification Criteria Version 2. Collection method: clinical testing. Allele origin: germline. Affected: yes. Observed: 1 variant allele.
Comment: TCN2: BP4, BP7

Labcorp Genetics (formerly Invitae), Labcorp
Classification: Likely benign for Transcobalamin II deficiency. Last evaluated: 2024-10-02. Review status: criteria provided, single submitter. Criteria: Invitae Variant Classification Sherloc (09022015). Collection method: clinical testing. Allele origin: germline.

NM_000355.4(TCN2):c.999G>A (p.Thr333=)

Gene: TCN2 (transcobalamin 2; plus strand). Cytogenetic location: 22q12.2.
Variant type: single nucleotide variant.
Coding change: c.999G>A on transcript NM_000355.4 (MANE Select); coding-DNA position 999, G replaced by A.
Protein change: p.Thr333=; no amino-acid change (threonine 333 retained).
Molecular consequence: synonymous variant.
Genome position (GRCh38, 1-based): chr22:30,617,388, G>A. VCF-style: chr22-30617388-G-A. GRCh37 (hg19) VCF-style: chr22-31013375-G-A.
Other names: c.918G>A, p.Thr306= (NM_001184726.2).
Identifiers: ClinVar variation 1133326 (VCV001133326.16), dbSNP rs747578310, ClinGen allele CA10184930.